The following is an entry in ClinVar:

NM_182643.3(DLC1):c.35A>G (p.Glu12Gly)

Gene: DLC1 (DLC1 Rho GTPase activating protein; minus strand). Cytogenetic location: 8p22.
Variant type: single nucleotide variant.
Coding change: c.35A>G on transcript NM_182643.3 (MANE Select); coding-DNA position 35, A replaced by G.
Protein change: p.Glu12Gly; replaces glutamic acid 12 with glycine.
Molecular consequence: missense variant. On other transcripts: 5 prime UTR variant (1).
Genome position (GRCh38, 1-based): chr8:13,500,037, T>C on the plus strand (A>G on the coding strand, the complement: DLC1 is on the minus strand). VCF-style: chr8-13500037-T-C. GRCh37 (hg19) VCF-style: chr8-13357546-T-C.
Other names: c.35A>G, p.Glu12Gly (NM_001348081.2, NM_001413124.1, NM_001413125.1 and 1 more transcripts); c.-1417A>G (NM_001348082.2); short protein forms E12G.
Identifiers: ClinVar variation 1974299 (VCV001974299.5), dbSNP rs1372472864, ClinGen allele CA370382756.

ClinVar aggregate classification (germline): Uncertain significance (1 of 4 stars; one submission).

Allele frequency attached by ClinVar (database versions not stated): gnomAD exomes 0.00001.

Submission:

Labcorp Genetics (formerly Invitae), Labcorp
Classification: Uncertain significance. Last evaluated: 2022-03-04. Review status: criteria provided, single submitter. Criteria: Invitae Variant Classification Sherloc (09022015). Collection method: clinical testing. Allele origin: germline.
Comment: In summary, the available evidence is currently insufficient to determine the role of this variant in disease. Therefore, it has been classified as a Variant of Uncertain Significance. Algorithms developed to predict the effect of missense changes on protein structure and function are either unavailable or do not agree on the potential impact of this missense change (SIFT: "Deleterious"; PolyPhen-2: "Probably Damaging"; Align-GVGD: "Class C0"). This variant has not been reported in the literature in individuals affected with DLC1-related conditions. This variant is present in population databases (no rsID available, gnomAD no frequency). This sequence change replaces glutamic acid, which is acidic and polar, with glycine, which is neutral and non-polar, at codon 12 of the DLC1 protein (p.Glu12Gly).